The following is an entry in ClinVar:

NM_032816.5(CEP89):c.1032C>G (p.Ser344Arg)

Gene: CEP89 (centrosomal protein 89; minus strand). Cytogenetic location: 19q13.11.
Variant type: single nucleotide variant.
Coding change: c.1032C>G on transcript NM_032816.5 (MANE Select); coding-DNA position 1032, C replaced by G.
Protein change: p.Ser344Arg; replaces serine 344 with arginine.
Molecular consequence: missense variant.
Genome position (GRCh38, 1-based): chr19:32,926,982, G>C on the plus strand (C>G on the coding strand, the complement: CEP89 is on the minus strand). VCF-style: chr19-32926982-G-C. GRCh37 (hg19) VCF-style: chr19-33417888-G-C.
Other names: short protein forms S344R.
Identifiers: ClinVar variation 2194513 (VCV002194513.4), dbSNP rs915414055, ClinGen allele CA307524751.

ClinVar aggregate classification (germline): Uncertain significance (1 of 4 stars; one submission).

Allele frequency attached by ClinVar (database versions not stated): gnomAD exomes below 0.00001; TOPMed 0.00002; gnomAD 0.00003.
gnomAD v4.1: 6 of 1,612,986 alleles (0.00037%); highest among the groups gnomAD compares: African/African-American, 0.0067%; no homozygotes.

Submission:

Labcorp Genetics (formerly Invitae), Labcorp
Classification: Uncertain significance. Last evaluated: 2023-05-04. Review status: criteria provided, single submitter. Criteria: Invitae Variant Classification Sherloc (09022015). Collection method: clinical testing. Allele origin: germline.
Comment: ClinVar contains an entry for this variant (Variation ID: 2194513). In summary, the available evidence is currently insufficient to determine the role of this variant in disease. Therefore, it has been classified as a Variant of Uncertain Significance. An algorithm developed to predict the effect of missense changes on protein structure and function (PolyPhen-2) suggests that this variant is likely to be tolerated. This variant has not been reported in the literature in individuals affected with CEP89-related conditions. This variant is present in population databases (no rsID available, gnomAD 0.004%). This sequence change replaces serine, which is neutral and polar, with arginine, which is basic and polar, at codon 344 of the CEP89 protein (p.Ser344Arg).